The following is an entry in ClinVar:

NM_001370259.2(MEN1):c.142del (p.Leu48fs)

Gene: MEN1 (menin 1; minus strand). Cytogenetic location: 11q13.1.
Variant type: Deletion.
Coding change: c.142del on transcript NM_001370259.2 (MANE Select); coding-DNA position 142, one base deleted (C; older notation c.142delC).
Protein change: p.Leu48fs; shifts the reading frame from leucine 48.
Molecular consequence: frameshift variant.
Genome position (GRCh38, 1-based): chr11:64,809,968, G deleted on the plus strand (C on the coding strand, the reverse complement: MEN1 is on the minus strand). VCF-style (leftmost placement, unchanged base first): chr11-64809967-AG-A. GRCh37 (hg19) VCF-style: chr11-64577439-AG-A.
Other names: c.142delC (NM_130799.2); c.142del, p.Leu48fs (NM_000244.4, NM_001370251.2, NM_001370260.2 and 9 more transcripts); short protein forms L48fs.
Identifiers: ClinVar variation 527271 (VCV000527271.7), dbSNP rs1555166681, ClinGen allele CA658797665.
Genomic context (GRCh38, chr11:64,809,967, plus strand): 5'-GCGGGGCTGGGCTGGAAGGTGAGCTCGGGAACGTTGGTAGGGATGACGCGGTTGACAGCC[AG>A]AAAATGCTCCACGAAGCCCAGCACCAAGGAAAGGAGCACCAGGTCCGGCTCCTCTCGGCC-3'

ClinVar aggregate classification (germline): Pathogenic (1 of 4 stars; one submission).

Conditions:
Multiple endocrine neoplasia, type 1 (MEN1). Also called: MEN I; WERMER SYNDROME; Endocrine adenomatosis multiple; MEN 1; MEA I. Identifiers: Orphanet 652, MedGen C0025267, MeSH D018761, MONDO:0007540, OMIM 131100.

Submission:

Labcorp Genetics (formerly Invitae), Labcorp
Classification: Pathogenic for Multiple endocrine neoplasia, type 1. Last evaluated: 2017-09-01. Review status: criteria provided, single submitter. Criteria: Invitae Variant Classification Sherloc (09022015). Collection method: clinical testing. Allele origin: germline.
Comment: This sequence change creates a premature translational stop signal (p.Leu48Trpfs*71) in the MEN1 gene. It is expected to result in an absent or disrupted protein product. This variant is not present in population databases (ExAC no frequency). This variant has not been reported in the literature in individuals with MEN1-related disease. Loss-of-function variants in MEN1 are known to be pathogenic (PMID: 12112656, 17853334). For these reasons, this variant has been classified as Pathogenic.

Literature cited by the submitters: PubMed 12112656; PubMed 17853334.